The following is an entry in ClinVar:

ClinVar aggregate classification (germline): Likely pathogenic (1 of 4 stars; one submission).

Conditions:
Neurodevelopmental disorder with cerebellar atrophy and motor dysfunction. Identifiers: MedGen C5543427, MONDO:0859152, OMIM 619333.

Submission:

MGZ Medical Genetics Center
Classification: Likely pathogenic for Neurodevelopmental disorder with cerebellar atrophy and motor dysfunction. Last evaluated: 2022-01-21. Review status: criteria provided, single submitter. Criteria: ACMG Guidelines, 2015. Collection method: clinical testing. Allele origin: germline. Affected: yes. Observed: 1 variant allele.
Comment: ACMG criteria applied: PVS1, PM2_SUP

NM_015465.5(GEMIN5):c.3973_3974insC (p.Glu1325fs)

Gene: GEMIN5 (gem nuclear organelle associated protein 5; minus strand). Cytogenetic location: 5q33.2.
Variant type: Insertion.
Coding change: c.3973_3974insC on transcript NM_015465.5 (MANE Select); coding-DNA positions 3973 to 3974, C inserted.
Protein change: p.Glu1325fs; shifts the reading frame from glutamic acid 1325.
Molecular consequence: frameshift variant.
Genome position: GRCh38 VCF-style: chr5-154891529-T-TG. GRCh37 (hg19) VCF-style: chr5-154271089-T-TG.
Other names: c.3970_3971insC, p.Glu1324fs (NM_001252156.2); short protein forms E1324fs, E1325fs.
Identifiers: ClinVar variation 1709185 (VCV001709185.2), dbSNP rs2481034065, ClinGen allele CA2580073926.